The following is an entry in ClinVar:

NM_004715.5(CTDP1):c.415G>A (p.Gly139Arg)

Gene: CTDP1 (CTD phosphatase subunit 1; plus strand). Cytogenetic location: 18q23.
Variant type: single nucleotide variant.
Coding change: c.415G>A on transcript NM_004715.5 (MANE Select); coding-DNA position 415, G replaced by A.
Protein change: p.Gly139Arg; replaces glycine 139 with arginine.
Molecular consequence: missense variant.
Genome position (GRCh38, 1-based): chr18:79,695,993, G>A. VCF-style: chr18-79695993-G-A. GRCh37 (hg19) VCF-style: chr18-77455993-G-A.
Other names: c.58G>A, p.Gly20Arg (NM_001202504.1); c.415G>A, p.Gly139Arg (NM_001318511.2, NM_048368.4); short protein forms G139R, G20R.
Identifiers: ClinVar variation 2123324 (VCV002123324.2), dbSNP rs779336386, ClinGen allele CA9009956.
Genomic context (GRCh38, chr18:79,695,993, plus strand): 5'-CAGAGACTCAGCTGAAAGCCCTGAACCTGTCCTTGCACTTGCAGGTTGCAGAGTAAGAAC[G>A]GGAAGCAGCAGGTGCCGCTGTCCACGGCGACCGTGTCCATGGTGCACAGCGTGCCGGAGT-3'
Protein context (NP_004706.3, residues 129-149): QDLTQLQSKN[Gly139Arg]KQQVPLSTAT

ClinVar aggregate classification (germline): Uncertain significance. Review status: criteria provided, multiple submitters, no conflicts (2 of 4 stars). 2 submissions from 2 submitters: Uncertain significance (2). Last evaluated 2024-01-08.

Allele frequency attached by ClinVar (database versions not stated): ExAC 0.00001; gnomAD 0.00001; gnomAD exomes 0.00001; TOPMed 0.00002.
gnomAD v4.1: 16 of 1,612,438 alleles (0.00099%); highest among the groups gnomAD compares: Middle Eastern, 0.049%; no homozygotes.

Submissions (2):

Ambry Genetics
Classification: Uncertain significance. Last evaluated: 2024-01-08. Review status: criteria provided, single submitter. Criteria: Ambry Variant Classification Scheme 2023. Collection method: clinical testing. Allele origin: germline.

Labcorp Genetics (formerly Invitae), Labcorp
Classification: Uncertain significance. Last evaluated: 2022-07-20. Review status: criteria provided, single submitter. Criteria: Invitae Variant Classification Sherloc (09022015). Collection method: clinical testing. Allele origin: germline.
Comment: This sequence change replaces glycine, which is neutral and non-polar, with arginine, which is basic and polar, at codon 139 of the CTDP1 protein (p.Gly139Arg). This variant is present in population databases (rs779336386, gnomAD 0.003%). This variant has not been reported in the literature in individuals affected with CTDP1-related conditions. Algorithms developed to predict the effect of missense changes on protein structure and function are either unavailable or do not agree on the potential impact of this missense change (SIFT: "Deleterious"; PolyPhen-2: "Probably Damaging"; Align-GVGD: "Class C15"). In summary, the available evidence is currently insufficient to determine the role of this variant in disease. Therefore, it has been classified as a Variant of Uncertain Significance.